The following is an entry in ClinVar:

NM_018122.5(DARS2):c.170T>G (p.Leu57Trp)

Gene: DARS2 (aspartyl-tRNA synthetase 2, mitochondrial; plus strand). Cytogenetic location: 1q25.1.
Variant type: single nucleotide variant.
Coding change: c.170T>G on transcript NM_018122.5 (MANE Select); coding-DNA position 170, T replaced by G.
Protein change: p.Leu57Trp; replaces leucine 57 with tryptophan.
Molecular consequence: missense variant.
Genome position (GRCh38, 1-based): chr1:173,826,729, T>G. VCF-style: chr1-173826729-T-G. GRCh37 (hg19) VCF-style: chr1-173795867-T-G.
Other names: c.170T>G, p.Leu57Trp (NM_001365212.1, NM_001365213.2); short protein forms L57W.
Identifiers: ClinVar variation 1387029 (VCV001387029.6), dbSNP rs2102633943, ClinGen allele CA343755671.

ClinVar aggregate classification (germline): Uncertain significance (1 of 4 stars; one submission).

Submission:

Labcorp Genetics (formerly Invitae), Labcorp
Classification: Uncertain significance. Last evaluated: 2025-01-06. Review status: criteria provided, single submitter. Criteria: Invitae Variant Classification Sherloc (09022015). Collection method: clinical testing. Allele origin: germline.
Comment: This sequence change replaces leucine, which is neutral and non-polar, with tryptophan, which is neutral and slightly polar, at codon 57 of the DARS2 protein (p.Leu57Trp). This variant is not present in population databases (gnomAD no frequency). This variant has not been reported in the literature in individuals affected with DARS2-related conditions. ClinVar contains an entry for this variant (Variation ID: 1387029). Invitae Evidence Modeling of protein sequence and biophysical properties (such as structural, functional, and spatial information, amino acid conservation, physicochemical variation, residue mobility, and thermodynamic stability) has been performed for this missense variant. However, the output from this modeling did not meet the statistical confidence thresholds required to predict the impact of this variant on DARS2 protein function. In summary, the available evidence is currently insufficient to determine the role of this variant in disease. Therefore, it has been classified as a Variant of Uncertain Significance.